The following is an entry in ClinVar:

ClinVar aggregate classification (germline): Uncertain significance. Review status: criteria provided, multiple submitters, no conflicts (2 of 4 stars). 2 submissions from 2 submitters: Uncertain significance (2). Last evaluated 2024-08-12.

Conditions:
Inborn genetic diseases. Identifiers: MedGen C0950123, MeSH D030342.

Allele frequency attached by ClinVar (database versions not stated): TOPMed 0.00002; ExAC 0.00004.
gnomAD v4.1: 1 of 1,614,004 alleles (0.000062%); highest among the groups gnomAD compares: East Asian, 0.0022%; no homozygotes.

Submissions (2):

Ambry Genetics
Classification: Uncertain significance for Inborn genetic diseases. Last evaluated: 2024-08-12. Review status: criteria provided, single submitter. Criteria: Ambry Variant Classification Scheme 2023. Collection method: clinical testing. Allele origin: germline.

Labcorp Genetics (formerly Invitae), Labcorp
Classification: Uncertain significance. Last evaluated: 2022-09-13. Review status: criteria provided, single submitter. Criteria: Invitae Variant Classification Sherloc (09022015). Collection method: clinical testing. Allele origin: germline.
Comment: This sequence change replaces alanine, which is neutral and non-polar, with glutamic acid, which is acidic and polar, at codon 598 of the CNGB3 protein (p.Ala598Glu). This variant is present in population databases (rs769889004, gnomAD 0.03%). This variant has not been reported in the literature in individuals affected with CNGB3-related conditions. Advanced modeling of protein sequence and biophysical properties (such as structural, functional, and spatial information, amino acid conservation, physicochemical variation, residue mobility, and thermodynamic stability) performed at Invitae indicates that this missense variant is not expected to disrupt CNGB3 protein function. In summary, the available evidence is currently insufficient to determine the role of this variant in disease. Therefore, it has been classified as a Variant of Uncertain Significance.

NM_019098.5(CNGB3):c.1793C>A (p.Ala598Glu)

Gene: CNGB3 (cyclic nucleotide gated channel subunit beta 3; minus strand). Cytogenetic location: 8q21.3.
Variant type: single nucleotide variant.
Coding change: c.1793C>A on transcript NM_019098.5 (MANE Select); coding-DNA position 1793, C replaced by A.
Protein change: p.Ala598Glu; replaces alanine 598 with glutamic acid.
Molecular consequence: missense variant.
Genome position (GRCh38, 1-based): chr8:86,579,241, G>T on the plus strand (C>A on the coding strand, the complement: CNGB3 is on the minus strand). VCF-style: chr8-86579241-G-T. GRCh37 (hg19) VCF-style: chr8-87591469-G-T.
Other names: c.1793C>A (NM_019098.4); short protein forms A598E.
Identifiers: ClinVar variation 2162209 (VCV002162209.2), dbSNP rs769889004, ClinGen allele CA4799894.